The following is an entry in ClinVar:

ClinVar aggregate classification (germline): Uncertain significance (1 of 4 stars; one submission).

gnomAD v4.1: 7 of 1,613,810 alleles (0.00043%); highest among the groups gnomAD compares: Admixed American, 0.0083%; no homozygotes.

Submission:

Mayo Clinic Laboratories, Mayo Clinic
Classification: Uncertain significance. Last evaluated: 2024-07-25. Review status: criteria provided, single submitter. Criteria: ACMG Guidelines, 2015. Collection method: clinical testing. Allele origin: germline. Observed: 1 variant allele.
Comment: BP4, PM2

NM_005570.4(LMAN1):c.25C>T (p.Leu9Phe)

Gene: LMAN1 (lectin, mannose binding 1; minus strand). Cytogenetic location: 18q21.32.
Variant type: single nucleotide variant.
Coding change: c.25C>T on transcript NM_005570.4 (MANE Select); coding-DNA position 25, C replaced by T.
Protein change: p.Leu9Phe; replaces leucine 9 with phenylalanine.
Molecular consequence: missense variant.
Genome position (GRCh38, 1-based): chr18:59,359,220, G>A on the plus strand (C>T on the coding strand, the complement: LMAN1 is on the minus strand). VCF-style: chr18-59359220-G-A. GRCh37 (hg19) VCF-style: chr18-57026452-G-A.
Other names: p.Leu9Phe; short protein forms L9F.
Identifiers: ClinVar variation 3380546 (VCV003380546.1).